The following is an entry in ClinVar:

NM_005559.4(LAMA1):c.7370G>A (p.Cys2457Tyr)

Gene: LAMA1 (laminin subunit alpha 1; minus strand). Cytogenetic location: 18p11.31.
Variant type: single nucleotide variant.
Coding change: c.7370G>A on transcript NM_005559.4 (MANE Select); coding-DNA position 7370, G replaced by A.
Protein change: p.Cys2457Tyr; replaces cysteine 2457 with tyrosine.
Molecular consequence: missense variant.
Genome position (GRCh38, 1-based): chr18:6,962,027, C>T on the plus strand (G>A on the coding strand, the complement: LAMA1 is on the minus strand). VCF-style: chr18-6962027-C-T. GRCh37 (hg19) VCF-style: chr18-6962026-C-T.
Other names: p.Cys2457Tyr; short protein forms C2457Y.
Identifiers: ClinVar variation 2417192 (VCV002417192.6), dbSNP rs1380728743, ClinGen allele CA401824239.

ClinVar aggregate classification (germline): Uncertain significance. Review status: criteria provided, multiple submitters, no conflicts (2 of 4 stars). 2 submissions from 2 submitters: Uncertain significance (2). Last evaluated 2025-12-11.

Allele frequency attached by ClinVar (database versions not stated): gnomAD exomes 0.00001.
gnomAD v4.1: 10 of 1,614,104 alleles (0.00062%); highest among the groups gnomAD compares: Non-Finnish European, 0.00085%; no homozygotes.

Submissions (2):

Mayo Clinic Laboratories, Mayo Clinic
Classification: Uncertain significance. Last evaluated: 2025-12-11. Review status: criteria provided, single submitter. Criteria: ACMG Guidelines, 2015. Collection method: clinical testing. Allele origin: germline. Observed: 1 variant allele.
Comment: PP3_moderate, PM2_supporting

Labcorp Genetics (formerly Invitae), Labcorp
Classification: Uncertain significance. Last evaluated: 2022-09-13. Review status: criteria provided, single submitter. Criteria: Invitae Variant Classification Sherloc (09022015). Collection method: clinical testing. Allele origin: germline.
Comment: This sequence change replaces cysteine, which is neutral and slightly polar, with tyrosine, which is neutral and polar, at codon 2457 of the LAMA1 protein (p.Cys2457Tyr). This variant is present in population databases (no rsID available, gnomAD 0.0009%). This variant has not been reported in the literature in individuals affected with LAMA1-related conditions. Advanced modeling of protein sequence and biophysical properties (such as structural, functional, and spatial information, amino acid conservation, physicochemical variation, residue mobility, and thermodynamic stability) performed at Invitae indicates that this missense variant is expected to disrupt LAMA1 protein function. In summary, the available evidence is currently insufficient to determine the role of this variant in disease. Therefore, it has been classified as a Variant of Uncertain Significance.